The following is an entry in ClinVar:

ClinVar aggregate classification (germline): Pathogenic (1 of 4 stars; one submission).

Submission:

GeneDx
Classification: Pathogenic. Last evaluated: 2014-01-31. Review status: criteria provided, single submitter. Criteria: GeneDx Variant Classification (06012015). Collection method: clinical testing. Allele origin: germline. Affected: yes.
Comment: p.Arg644Pro (CGA>CCA): c.1931 G>C in exon 18 of the CPS1 gene (NM_001122633.2). The R644P missense mutation in the CPS1 gene has been reported previously in association with carbamoyl phosphate synthetase I (CPSI) deficiency, as R638P when using alternate nomenclature based on an alternate reference sequence (Haberle et al., 2011). The variant is found in UCD-MET panel(s).

NM_001875.5(CPS1):c.1913G>C (p.Arg638Pro)

Gene: CPS1 (carbamoyl-phosphate synthase 1; plus strand). Cytogenetic location: 2q34.
Variant type: single nucleotide variant.
Coding change: c.1913G>C on transcript NM_001875.5 (MANE Select); coding-DNA position 1913, G replaced by C.
Protein change: p.Arg638Pro; replaces arginine 638 with proline.
Molecular consequence: missense variant. On other transcripts: non-coding transcript variant (2).
Genome position (GRCh38, 1-based): chr2:210,605,178, G>C. VCF-style: chr2-210605178-G-C. GRCh37 (hg19) VCF-style: chr2-211469902-G-C.
Other names: p.R644P:CGA>CCA; c.1913G>C (LRG_336t1); c.1913G>C, p.Arg638Pro (NM_001122633.3, NM_001369257.1); c.1946G>C, p.Arg649Pro (NM_001369256.1); short protein forms R638P, R649P.
Identifiers: ClinVar variation 203649 (VCV000203649.2), dbSNP rs757205958, ClinGen allele CA312394.